The following is an entry in ClinVar:

ClinVar aggregate classification (germline): Uncertain significance (1 of 4 stars; one submission).

Submission:

CeGaT Center for Human Genetics Tuebingen
Classification: Uncertain significance. Last evaluated: 2025-04-01. Review status: criteria provided, single submitter. Criteria: CeGaT Center For Human Genetics Tuebingen Variant Classification Criteria Version 2. Collection method: clinical testing. Allele origin: germline. Affected: yes. Observed: 1 variant allele.
Comment: MYCBP2: PM2

NM_015057.5(MYCBP2):c.8786A>T (p.His2929Leu)

Gene: MYCBP2 (MYC binding protein 2; minus strand). Cytogenetic location: 13q22.3.
Variant type: single nucleotide variant.
Coding change: c.8786A>T on transcript NM_015057.5 (MANE Select); coding-DNA position 8786, A replaced by T.
Protein change: p.His2929Leu; replaces histidine 2929 with leucine.
Molecular consequence: missense variant.
Genome position (GRCh38, 1-based): chr13:77,098,368, T>A on the plus strand (A>T on the coding strand, the complement: MYCBP2 is on the minus strand). VCF-style: chr13-77098368-T-A. GRCh37 (hg19) VCF-style: chr13-77672503-T-A.
Other names: short protein forms H2929L.
Identifiers: ClinVar variation 3898503 (VCV003898503.7).
Genomic context (GRCh38, chr13:77,098,368, plus strand): 5'-CTGTCTGTTAGACTATTTGTTTTTAAAGTACTTGAGGTGCAGACTTCGACCACCTCACTG[T>A]GGAGGTTTTCCTGTACCACATGGGGAGAGGGAGCTCTATTTTCAGATCCAGGGGAATCTG-3'
Protein context (NP_055872.4, residues 2919-2939): PSPHVVQENL[His2929Leu]SEVVEVCTSS